The following is an entry in ClinVar:

ClinVar aggregate classification (germline): Uncertain significance. Review status: criteria provided, multiple submitters, no conflicts (2 of 4 stars). 2 submissions from 2 submitters: Uncertain significance (2). Last evaluated 2024-01-01.

Conditions:
Cardiovascular phenotype. Identifiers: MedGen CN230736.
Hereditary cancer-predisposing syndrome. Also called: Hereditary neoplastic syndrome; Neoplastic Syndromes, Hereditary; Hereditary Cancer Syndrome; Tumor predisposition. Identifiers: Orphanet 140162, MedGen C0027672, MeSH D009386, MONDO:0015356.
Neurofibromatosis, type 1 (NF1). Also called: VON RECKLINGHAUSEN DISEASE; Neurofibromatosis, type I; NEUROFIBROMATOSIS, TYPE I, SOMATIC; Peripheral type neurofibromatosis. Identifiers: Orphanet 636, MedGen C0027831, MONDO:0018975, OMIM 162200. Disease mechanism: loss of function.

Submissions (2):

Ambry Genetics
Classification: Uncertain significance for Cardiovascular phenotype; Hereditary cancer-predisposing syndrome. Last evaluated: 2024-01-01. Review status: criteria provided, single submitter. Criteria: Ambry Variant Classification Scheme 2023. Collection method: clinical testing. Allele origin: germline.
Comment: The p.Q684P variant (also known as c.2051A>C), located in coding exon 18 of the NF1 gene, results from an A to C substitution at nucleotide position 2051. The glutamine at codon 684 is replaced by proline, an amino acid with similar properties. This amino acid position is conserved. In addition, this alteration is predicted to be deleterious by in silico analysis. Since supporting evidence is limited at this time, the clinical significance of this alteration remains unclear.

Labcorp Genetics (formerly Invitae), Labcorp
Classification: Uncertain significance for Neurofibromatosis, type 1. Last evaluated: 2021-10-24. Review status: criteria provided, single submitter. Criteria: Invitae Variant Classification Sherloc (09022015). Collection method: clinical testing. Allele origin: germline.
Comment: Advanced modeling of protein sequence and biophysical properties (such as structural, functional, and spatial information, amino acid conservation, physicochemical variation, residue mobility, and thermodynamic stability) performed at Invitae indicates that this missense variant is expected to disrupt NF1 protein function. This variant has not been reported in the literature in individuals affected with NF1-related conditions. This variant is not present in population databases (ExAC no frequency). This sequence change replaces glutamine with proline at codon 684 of the NF1 protein (p.Gln684Pro). The glutamine residue is moderately conserved and there is a moderate physicochemical difference between glutamine and proline. In summary, the available evidence is currently insufficient to determine the role of this variant in disease. Therefore, it has been classified as a Variant of Uncertain Significance.

NM_001042492.3(NF1):c.2051A>C (p.Gln684Pro)

Gene: NF1 (neurofibromin 1; plus strand). Cytogenetic location: 17q11.2.
Variant type: single nucleotide variant.
Coding change: c.2051A>C on transcript NM_001042492.3 (MANE Select); coding-DNA position 2051, A replaced by C.
Protein change: p.Gln684Pro; replaces glutamine 684 with proline.
Molecular consequence: missense variant.
Genome position (GRCh38, 1-based): chr17:31,226,484, A>C. VCF-style: chr17-31226484-A-C. GRCh37 (hg19) VCF-style: chr17-29553502-A-C.
Other names: c.2051A>C, p.Gln684Pro (NM_000267.4); short protein forms Q684P.
Identifiers: ClinVar variation 1389093 (VCV001389093.7), dbSNP rs201076784, ClinGen allele CA398982090.
Genomic context (GRCh38, chr17:31,226,484, plus strand): 5'-TTGACTCTCAGGATAGTGCAGCAGGATGCAGCGGAACCCCCCCGATTTGCCGACAAGCCC[A>C]GACCAAACTAGAAGTGGCCCTGTACATGTTTCTGTGGAACCCTGACACTGAAGCTGTTCT-3'
Protein context (NP_001035957.1, residues 674-694): SGTPPICRQA[Gln684Pro]TKLEVALYMF